The following is an entry in ClinVar:

ClinVar aggregate classification (germline): Uncertain significance (1 of 4 stars; one submission).

Conditions:
Peroxisome biogenesis disorder. Identifiers: Orphanet 79189, MedGen C1832200, MONDO:0019234. Disease mechanism: loss of function.

Allele frequency attached by ClinVar (database versions not stated): gnomAD exomes below 0.00001.
gnomAD v4.1: 2 of 1,614,198 alleles (0.00012%); highest among the groups gnomAD compares: Non-Finnish European, 0.00017%; no homozygotes.

Submission:

Labcorp Genetics (formerly Invitae), Labcorp
Classification: Uncertain significance for Peroxisome biogenesis disorder. Last evaluated: 2022-08-04. Review status: criteria provided, single submitter. Criteria: Invitae Variant Classification Sherloc (09022015). Collection method: clinical testing. Allele origin: germline.
Comment: This sequence change replaces valine, which is neutral and non-polar, with methionine, which is neutral and non-polar, at codon 223 of the PEX6 protein (p.Val223Met). This variant is not present in population databases (gnomAD no frequency). This variant has not been reported in the literature in individuals affected with PEX6-related conditions. Algorithms developed to predict the effect of missense changes on protein structure and function are either unavailable or do not agree on the potential impact of this missense change (SIFT: "Tolerated"; PolyPhen-2: "Probably Damaging"; Align-GVGD: "Class C0"). In summary, the available evidence is currently insufficient to determine the role of this variant in disease. Therefore, it has been classified as a Variant of Uncertain Significance.

NM_000287.4(PEX6):c.667G>A (p.Val223Met)

Gene: PEX6 (peroxisomal biogenesis factor 6; minus strand). Cytogenetic location: 6p21.1.
Variant type: single nucleotide variant.
Coding change: c.667G>A on transcript NM_000287.4 (MANE Select); coding-DNA position 667, G replaced by A.
Protein change: p.Val223Met; replaces valine 223 with methionine.
Molecular consequence: missense variant. On other transcripts: non-coding transcript variant (1), intron variant (1).
Genome position (GRCh38, 1-based): chr6:42,978,484, C>T on the plus strand (G>A on the coding strand, the complement: PEX6 is on the minus strand). VCF-style: chr6-42978484-C-T. GRCh37 (hg19) VCF-style: chr6-42946222-C-T.
Other names: c.618+49G>A (NM_001316313.2); short protein forms V223M.
Identifiers: ClinVar variation 2161748 (VCV002161748.1), dbSNP rs2481277387, ClinGen allele CA364162880.